The following is an entry in ClinVar:

NM_004260.4(RECQL4):c.2951C>T (p.Ser984Phe)

Gene: RECQL4 (RecQ like helicase 4; minus strand). Cytogenetic location: 8q24.3.
Variant type: single nucleotide variant.
Coding change: c.2951C>T on transcript NM_004260.4 (MANE Select); coding-DNA position 2951, C replaced by T.
Protein change: p.Ser984Phe; replaces serine 984 with phenylalanine.
Molecular consequence: missense variant.
Genome position (GRCh38, 1-based): chr8:144,512,496, G>A on the plus strand (C>T on the coding strand, the complement: RECQL4 is on the minus strand). VCF-style: chr8-144512496-G-A. GRCh37 (hg19) VCF-style: chr8-145737879-G-A.
Other names: short protein forms S984F.
Identifiers: ClinVar variation 1062711 (VCV001062711.3), dbSNP rs777976493, ClinGen allele CA372673209.

ClinVar aggregate classification (germline): Uncertain significance (1 of 4 stars; one submission).

Conditions:
Baller-Gerold syndrome (BGS). Also called: CRANIOSYNOSTOSIS WITH RADIAL DEFECTS. Identifiers: Orphanet 1225, MedGen C0265308, MONDO:0009039, OMIM 218600.

Submission:

Labcorp Genetics (formerly Invitae), Labcorp
Classification: Uncertain significance for Baller-Gerold syndrome. Last evaluated: 2020-10-10. Review status: criteria provided, single submitter. Criteria: Invitae Variant Classification Sherloc (09022015). Collection method: clinical testing. Allele origin: germline.
Comment: In summary, the available evidence is currently insufficient to determine the role of this variant in disease. Therefore, it has been classified as a Variant of Uncertain Significance. Experimental studies and prediction algorithms are not available or were not evaluated, and the functional significance of this variant is currently unknown. This variant has not been reported in the literature in individuals with RECQL4-related conditions. This variant is not present in population databases (ExAC no frequency). This sequence change replaces serine with phenylalanine at codon 984 of the RECQL4 protein (p.Ser984Phe). The serine residue is highly conserved and there is a large physicochemical difference between serine and phenylalanine.